The following is an entry in ClinVar:

ClinVar aggregate classification (germline): Conflicting classifications of pathogenicity. Review status: criteria provided, conflicting classifications (1 of 4 stars). 7 submissions from 7 submitters: Uncertain significance (1); Likely benign (6). Last evaluated 2026-01-25.

Conditions:
Glycogen storage disease, type V (GSD5). Also called: MCARDLE DISEASE; MUSCLE GLYCOGEN PHOSPHORYLASE DEFICIENCY; MYOPHOSPHORYLASE DEFICIENCY; PYGM DEFICIENCY; McArdle type glycogen storage disease. Identifiers: Orphanet 368, MedGen C0017924, MONDO:0009293, OMIM 232600.

Allele frequency attached by ClinVar (database versions not stated): gnomAD exomes 0.00043 and 0.00015; ESP Exome Variant Server 0.00054; 1000 Genomes Project 30x 0.00016; 1000 Genomes Project 0.00020; TOPMed 0.00020; ExAC 0.00022; gnomAD 0.00025.
gnomAD v4.1: 668 of 1,614,138 alleles (0.041%); highest among the groups gnomAD compares: Non-Finnish European, 0.052%; 2 homozygotes.

Submissions (7):

Labcorp Genetics (formerly Invitae), Labcorp
Classification: Likely benign for Glycogen storage disease, type V. Last evaluated: 2026-01-25. Review status: criteria provided, single submitter. Criteria: Invitae Variant Classification Sherloc (09022015). Collection method: clinical testing. Allele origin: germline.

Blueprint Genetics
Classification: Likely benign. Last evaluated: 2024-09-12. Review status: criteria provided, single submitter. Criteria: ACMG Guidelines, 2015. Collection method: clinical testing. Allele origin: germline.

CeGaT Center for Human Genetics Tuebingen
Classification: Likely benign. Last evaluated: 2023-12-01. Review status: criteria provided, single submitter. Criteria: CeGaT Center For Human Genetics Tuebingen Variant Classification Criteria Version 2. Collection method: clinical testing. Allele origin: germline. Affected: yes. Observed: 1 variant allele.
Comment: PYGM: BP4, BP7

ARUP Laboratories, Molecular Genetics and Genomics, ARUP Laboratories
Classification: Likely benign for Glycogen storage disease, type V. Last evaluated: 2022-07-08. Review status: criteria provided, single submitter. Criteria: ARUP Molecular Germline Variant Investigation Process 2021. Collection method: clinical testing. Allele origin: germline.

GeneDx
Classification: Likely benign. Last evaluated: 2018-05-24. Review status: criteria provided, single submitter. Criteria: GeneDx Variant Classification Process June 2021. Collection method: clinical testing. Allele origin: germline. Affected: yes.

Illumina Laboratory Services, Illumina
Classification: Uncertain significance for Glycogen storage disease, type V. Last evaluated: 2018-01-13. Review status: criteria provided, single submitter. Criteria: ICSL Variant Classification Criteria 13 December 2019. Collection method: clinical testing. Allele origin: germline.

PreventionGenetics, part of Exact Sciences
Classification: Likely benign. Review status: criteria provided, single submitter. Criteria: ACMG Guidelines, 2015. Collection method: clinical testing. Allele origin: germline.

NM_005609.4(PYGM):c.612C>T (p.Tyr204=)

Gene: PYGM (glycogen phosphorylase, muscle associated; minus strand). Cytogenetic location: 11q13.1.
Variant type: single nucleotide variant.
Coding change: c.612C>T on transcript NM_005609.4 (MANE Select); coding-DNA position 612, C replaced by T.
Protein change: p.Tyr204=; no amino-acid change (tyrosine 204 retained).
Molecular consequence: synonymous variant.
Genome position (GRCh38, 1-based): chr11:64,757,827, G>A on the plus strand (C>T on the coding strand, the complement: PYGM is on the minus strand). VCF-style: chr11-64757827-G-A. GRCh37 (hg19) VCF-style: chr11-64525299-G-A.
Other names: c.348C>T, p.Tyr116= (NM_001164716.1).
Identifiers: ClinVar variation 259839 (VCV000259839.42), dbSNP rs200467937, ClinGen allele CA6080191.